The following is an entry in ClinVar:

NM_001433705.1(NLRP5):c.916C>T (p.Leu306=)

Genes: NLRP5 (NLR family pyrin domain containing 5; plus strand), LOC126862935 (BRD4-independent group 4 enhancer GRCh37_chr19:56537936-56539135; plus strand). Cytogenetic location: 19q13.43.
Variant type: single nucleotide variant.
Coding change: c.916C>T on transcript NM_001433705.1 (MANE Select); coding-DNA position 916, C replaced by T.
Protein change: p.Leu306=; no amino-acid change (leucine 306 retained).
Molecular consequence: synonymous variant.
Genome position (GRCh38, 1-based): chr19:56,027,302, C>T. VCF-style: chr19-56027302-C-T. GRCh37 (hg19) VCF-style: chr19-56538668-C-T.
Other names: NM_153447.4:c.1069C>T.
Identifiers: ClinVar variation 4540088 (VCV004540088.1).

ClinVar aggregate classification (germline): Uncertain significance (1 of 4 stars; one submission).

gnomAD v4.1: 108 of 1,612,194 alleles (0.0067%); highest among the groups gnomAD compares: South Asian, 0.11%; 3 homozygotes.

Submission:

GeneDx
Classification: Uncertain significance. Last evaluated: 2025-06-24. Review status: criteria provided, single submitter. Criteria: GeneDx Variant Classification Process June 2021. Collection method: clinical testing. Allele origin: germline. Affected: yes.
Comment: In silico analysis suggests that this variant does not alter splicing; Has not been previously published as pathogenic or benign to our knowledge